The following is an entry in ClinVar:

ClinVar aggregate classification (germline): Uncertain significance. Review status: criteria provided, multiple submitters, no conflicts (2 of 4 stars). 2 submissions from 2 submitters: Uncertain significance (2). Last evaluated 2026-07-06.

Conditions:
Inborn genetic diseases. Identifiers: MedGen C0950123, MeSH D030342.
Acute myeloid leukemia (AML). Also called: Acute myeloid leukemia, adult; AML adult; Acute non-lymphocytic leukemia; Acute granulocytic leukemia; Leukemia, acute myeloid, somatic; Leukemia, acute myelogenous, somatic. Identifiers: Orphanet 519, MedGen C0023467, MeSH D015470, MONDO:0018874, OMIM 601626, HP:0004808. Disease mechanism: Constitutively activated FLT3.

Submissions (2):

Ambry Genetics
Classification: Uncertain significance for Inborn genetic diseases. Last evaluated: 2026-07-06. Review status: criteria provided, single submitter. Criteria: Ambry Variant Classification Scheme 2023. Collection method: clinical testing. Allele origin: germline.
Comment: The p.Q182K variant (also known as c.544C>A), located in coding exon 1 of the CEBPA gene, results from a C to A substitution at nucleotide position 544. The glutamine at codon 182 is replaced by lysine, an amino acid with similar properties. This amino acid position is conserved. In addition, this alteration is predicted to be tolerated by in silico analysis. Based on the available evidence, the clinical significance of this variant remains unclear.

Labcorp Genetics (formerly Invitae), Labcorp
Classification: Uncertain significance for Acute myeloid leukemia. Last evaluated: 2025-03-07. Review status: criteria provided, single submitter. Criteria: Invitae Variant Classification Sherloc (09022015). Collection method: clinical testing. Allele origin: germline.
Comment: This sequence change replaces glutamine, which is neutral and polar, with lysine, which is basic and polar, at codon 182 of the CEBPA protein (p.Gln182Lys). This variant is not present in population databases (gnomAD no frequency). This variant has not been reported in the literature in individuals affected with CEBPA-related conditions. ClinVar contains an entry for this variant (Variation ID: 661327). Invitae Evidence Modeling of protein sequence and biophysical properties (such as structural, functional, and spatial information, amino acid conservation, physicochemical variation, residue mobility, and thermodynamic stability) indicates that this missense variant is not expected to disrupt CEBPA protein function with a negative predictive value of 80%. In summary, the available evidence is currently insufficient to determine the role of this variant in disease. Therefore, it has been classified as a Variant of Uncertain Significance.

NM_004364.5(CEBPA):c.544C>A (p.Gln182Lys)

Gene: CEBPA (CCAAT enhancer binding protein alpha; minus strand). Cytogenetic location: 19q13.11.
Variant type: single nucleotide variant.
Coding change: c.544C>A on transcript NM_004364.5 (MANE Select); coding-DNA position 544, C replaced by A.
Protein change: p.Gln182Lys; replaces glutamine 182 with lysine.
Molecular consequence: missense variant.
Genome position (GRCh38, 1-based): chr19:33,301,871, G>T on the plus strand (C>A on the coding strand, the complement: CEBPA is on the minus strand). VCF-style: chr19-33301871-G-T. GRCh37 (hg19) VCF-style: chr19-33792777-G-T.
Other names: c.544C>A (NM_004364.3); c.187C>A, p.Gln63Lys (NM_001285829.2); c.649C>A, p.Gln217Lys (NM_001287424.2); c.502C>A, p.Gln168Lys (NM_001287435.2); short protein forms Q168K, Q217K, Q63K, Q182K.
Identifiers: ClinVar variation 661327 (VCV000661327.10), dbSNP rs1600022835, ClinGen allele CA405274726.